The following is an entry in ClinVar:

NM_000436.4(OXCT1):c.1202C>T (p.Ala401Val)

Gene: OXCT1 (3-oxoacid CoA-transferase 1; minus strand). Cytogenetic location: 5p13.1.
Variant type: single nucleotide variant.
Coding change: c.1202C>T on transcript NM_000436.4 (MANE Select); coding-DNA position 1202, C replaced by T.
Protein change: p.Ala401Val; replaces alanine 401 with valine.
Molecular consequence: missense variant. On other transcripts: non-coding transcript variant (1).
Genome position (GRCh38, 1-based): chr5:41,794,049, G>A on the plus strand (C>T on the coding strand, the complement: OXCT1 is on the minus strand). VCF-style: chr5-41794049-G-A. GRCh37 (hg19) VCF-style: chr5-41794151-G-A.
Other names: c.1223C>T, p.Ala408Val (NM_001364299.2, NM_001364300.2); c.1196C>T, p.Ala399Val (NM_001364301.2); c.1202C>T, p.Ala401Val (NM_001364302.2); c.644C>T, p.Ala215Val (NM_001364303.2); short protein forms A215V, A399V, A401V, A408V.
Identifiers: ClinVar variation 1515710 (VCV001515710.9), dbSNP rs746345071, ClinGen allele CA3253337.

ClinVar aggregate classification (germline): Uncertain significance. Review status: criteria provided, multiple submitters, no conflicts (2 of 4 stars). 2 submissions from 2 submitters: Uncertain significance (2). Last evaluated 2024-10-31.

Conditions:
Succinyl-CoA acetoacetate transferase deficiency (SCOTD). Also called: 3-Oxoacid CoA Transferase Deficiency; Succinyl CoA:3-oxoacid CoA transferase deficiency; KETOACIDOSIS DUE TO SCOT DEFICIENCY; SCOT DEFICIENCY; SUCCINYL-CoA:3-KETOACID CoA-TRANSFERASE DEFICIENCY. Identifiers: Orphanet 832, MedGen C0342792, MONDO:0009492, OMIM 245050.

Allele frequency attached by ClinVar (database versions not stated): gnomAD exomes below 0.00001; ExAC 0.00001; gnomAD 0.00001.
gnomAD v4.1: 6 of 1,612,810 alleles (0.00037%); highest among the groups gnomAD compares: Non-Finnish European, 0.00051%; no homozygotes.

Submissions (2):

Blueprint Genetics
Classification: Uncertain significance. Last evaluated: 2024-10-31. Review status: criteria provided, single submitter. Criteria: ACMG Guidelines, 2015. Collection method: clinical testing. Allele origin: germline.

Labcorp Genetics (formerly Invitae), Labcorp
Classification: Uncertain significance for Succinyl-CoA acetoacetate transferase deficiency. Last evaluated: 2021-02-08. Review status: criteria provided, single submitter. Criteria: Invitae Variant Classification Sherloc (09022015). Collection method: clinical testing. Allele origin: germline.
Comment: This sequence change replaces alanine with valine at codon 401 of the OXCT1 protein (p.Ala401Val). The alanine residue is highly conserved and there is a small physicochemical difference between alanine and valine. This variant is present in population databases (rs746345071, ExAC 0.001%). This variant has been observed in individual(s) with clinical features of Succinyl CoA:3-oxoacid CoA transferase deficiency (Invitae). Algorithms developed to predict the effect of missense changes on protein structure and function are either unavailable or do not agree on the potential impact of this missense change (SIFT: "Deleterious"; PolyPhen-2: "Possibly Damaging"; Align-GVGD: "Class C0"). In summary, the available evidence is currently insufficient to determine the role of this variant in disease. Therefore, it has been classified as a Variant of Uncertain Significance.